The following is an entry in ClinVar:

ClinVar aggregate classification (germline): Benign. Review status: criteria provided, multiple submitters, no conflicts (2 of 4 stars). 3 submissions from 3 submitters: Benign (2). 1 of the submissions does not count toward it. Last evaluated 2025-10-13.

Allele frequency attached by ClinVar (database versions not stated): 1000 Genomes Project 30x 0.00016; gnomAD exomes 0.00042 and 0.00071; ESP Exome Variant Server 0.00054; gnomAD 0.00054 and 0.00058; ExAC 0.00055; TOPMed 0.00070.
gnomAD v4.1: 752 of 1,607,510 alleles (0.047%); highest among the groups gnomAD compares: Middle Eastern, 0.17%; 5 homozygotes.

Submissions (3):

Labcorp Genetics (formerly Invitae), Labcorp
Classification: Benign. Last evaluated: 2025-10-13. Review status: criteria provided, single submitter. Criteria: Invitae Variant Classification Sherloc (09022015). Collection method: clinical testing. Allele origin: germline.

Breakthrough Genomics
Classification: Benign. Review status: criteria provided, single submitter. Criteria: ACMG Guidelines, 2015. Collection method: not provided. Allele origin: germline. Inheritance: Autosomal recessive inheritance. Affected: yes.

ITMI
No classification provided. Condition: AllHighlyPenetrant. Last evaluated: 2013-09-19. Review status: no classification provided. Collection method: reference population. Allele origin: germline. Not counted in ClinVar's aggregate classification.
Comment: Please see associated publication for description of ethnicities

Literature cited by the submitters: PubMed 24728327 (cited by ITMI).

NM_004448.4(ERBB2):c.140G>A (p.Arg47His)

Gene: ERBB2 (erb-b2 receptor tyrosine kinase 2; plus strand). Cytogenetic location: 17q12.
Variant type: single nucleotide variant.
Coding change: c.140G>A on transcript NM_004448.4 (MANE Select); coding-DNA position 140, G replaced by A.
Protein change: p.Arg47His; replaces arginine 47 with histidine.
Molecular consequence: missense variant. On other transcripts: non-coding transcript variant (1), intron variant (1).
Genome position (GRCh38, 1-based): chr17:39,707,056, G>A. VCF-style: chr17-39707056-G-A. GRCh37 (hg19) VCF-style: chr17-37863309-G-A.
Other names: c.50G>A, p.Arg17His (NM_001005862.3, NM_001289938.2, NM_001382782.1 and 1 more transcripts); c.95G>A, p.Arg32His (NM_001289936.2); c.140G>A, p.Arg47His (NM_001289937.2, NM_001382784.1, NM_001382785.1 and 20 more transcripts); c.74-4872G>A (NM_001382804.1); short protein forms R17H, R47H, R32H.
Identifiers: ClinVar variation 134075 (VCV000134075.11), dbSNP rs144019910, ClinGen allele CA158610.
Genomic context (GRCh38, chr17:39,707,056, plus strand): 5'-CCGGCACAGACATGAAGCTGCGGCTCCCTGCCAGTCCCGAGACCCACCTGGACATGCTCC[G>A]CCACCTCTACCAGGGCTGCCAGGTGGTGCAGGGAAACCTGGAACTCACCTACCTGCCCAC-3'
Protein context (NP_004439.2, residues 37-57): ASPETHLDML[Arg47His]HLYQGCQVVQ